The following is an entry in ClinVar:

ClinVar aggregate classification (germline): Uncertain significance (1 of 4 stars; one submission).

Conditions:
Inborn genetic diseases. Identifiers: MedGen C0950123, MeSH D030342.

gnomAD v4.1: 3 of 1,614,074 alleles (0.00019%); highest among the groups gnomAD compares: South Asian, 0.0033%; no homozygotes.

Submission:

Ambry Genetics
Classification: Uncertain significance for Inborn genetic diseases. Last evaluated: 2025-08-10. Review status: criteria provided, single submitter. Criteria: Ambry Variant Classification Scheme 2023. Collection method: clinical testing. Allele origin: germline.
Comment: The p.D499G variant (also known as c.1496A>G), located in coding exon 1 of the SAMD9 gene, results from an A to G substitution at nucleotide position 1496. The aspartic acid at codon 499 is replaced by glycine, an amino acid with similar properties. This amino acid position is conserved. In addition, this alteration is predicted to be tolerated by in silico analysis. Based on the available evidence, the clinical significance of this variant remains unclear.

NM_017654.4(SAMD9):c.1496A>G (p.Asp499Gly)

Gene: SAMD9 (sterile alpha motif domain containing 9; minus strand). Cytogenetic location: 7q21.2.
Variant type: single nucleotide variant.
Coding change: c.1496A>G on transcript NM_017654.4 (MANE Select); coding-DNA position 1496, A replaced by G.
Protein change: p.Asp499Gly; replaces aspartic acid 499 with glycine.
Molecular consequence: missense variant.
Genome position (GRCh38, 1-based): chr7:93,104,602, T>C on the plus strand (A>G on the coding strand, the complement: SAMD9 is on the minus strand). VCF-style: chr7-93104602-T-C. GRCh37 (hg19) VCF-style: chr7-92733915-T-C.
Other names: c.1496A>G, p.Asp499Gly (NM_001193307.2); short protein forms D499G.
Identifiers: ClinVar variation 4159143 (VCV004159143.1).